The following is an entry in ClinVar:

ClinVar aggregate classification (germline): Uncertain significance (1 of 4 stars; one submission).

Submission:

Labcorp Genetics (formerly Invitae), Labcorp
Classification: Uncertain significance. Last evaluated: 2024-10-24. Review status: criteria provided, single submitter. Criteria: Invitae Variant Classification Sherloc (09022015). Collection method: clinical testing. Allele origin: germline.
Comment: This sequence change replaces asparagine, which is neutral and polar, with serine, which is neutral and polar, at codon 188 of the NTRK2 protein (p.Asn188Ser). This variant is not present in population databases (gnomAD no frequency). This variant has not been reported in the literature in individuals affected with NTRK2-related conditions. Invitae Evidence Modeling of protein sequence and biophysical properties (such as structural, functional, and spatial information, amino acid conservation, physicochemical variation, residue mobility, and thermodynamic stability) indicates that this missense variant is not expected to disrupt NTRK2 protein function with a negative predictive value of 80%. In summary, the available evidence is currently insufficient to determine the role of this variant in disease. Therefore, it has been classified as a Variant of Uncertain Significance.

NM_006180.6(NTRK2):c.563A>G (p.Asn188Ser)

Gene: NTRK2 (neurotrophic receptor tyrosine kinase 2; plus strand). Cytogenetic location: 9q21.33.
Variant type: single nucleotide variant.
Coding change: c.563A>G on transcript NM_006180.6 (MANE Select); coding-DNA position 563, A replaced by G.
Protein change: p.Asn188Ser; replaces asparagine 188 with serine.
Molecular consequence: missense variant.
Genome position (GRCh38, 1-based): chr9:84,710,771, A>G. VCF-style: chr9-84710771-A-G. GRCh37 (hg19) VCF-style: chr9-87325686-A-G.
Other names: c.563A>G, p.Asn188Ser (NM_001381928.1, NM_001007097.3, NM_001018064.3 and 19 more transcripts); c.95A>G, p.Asn32Ser (NM_001369550.1, NM_001369551.1, NM_001369552.1 and 2 more transcripts); short protein forms N32S, N188S.
Identifiers: ClinVar variation 2778311 (VCV002778311.3), dbSNP rs2491735752, ClinGen allele CA374006083.